The following is an entry in ClinVar:

NM_005187.6(CBFA2T3):c.252G>A (p.Pro84=)

Gene: CBFA2T3 (CBFA2/RUNX1 partner transcriptional co-repressor 3; minus strand). Cytogenetic location: 16q24.3.
Variant type: single nucleotide variant.
Coding change: c.252G>A on transcript NM_005187.6 (MANE Select); coding-DNA position 252, G replaced by A.
Protein change: p.Pro84=; no amino-acid change (proline 84 retained).
Molecular consequence: synonymous variant.
Genome position (GRCh38, 1-based): chr16:88,901,556, C>T on the plus strand (G>A on the coding strand, the complement: CBFA2T3 is on the minus strand). VCF-style: chr16-88901556-C-T. GRCh37 (hg19) VCF-style: chr16-88967964-C-T.
Other names: c.69G>A, p.Pro23= (NM_175931.3).
Identifiers: ClinVar variation 2647018 (VCV002647018.24), dbSNP rs539654957, ClinGen allele CA8237094.

ClinVar aggregate classification (germline): Likely benign (1 of 4 stars; one submission).

Allele frequency attached by ClinVar (database versions not stated): gnomAD 0.00009; 1000 Genomes Project 30x 0.00016; 1000 Genomes Project 0.00020.

Submission:

CeGaT Center for Human Genetics Tuebingen
Classification: Likely benign. Last evaluated: 2023-02-01. Review status: criteria provided, single submitter. Criteria: CeGaT Center For Human Genetics Tuebingen Variant Classification Criteria Version 2. Collection method: clinical testing. Allele origin: germline. Affected: yes. Observed: 1 variant allele.
Comment: CBFA2T3: BP4, BP7